The following is an entry in ClinVar:

NM_006031.6(PCNT):c.2559G>T (p.Ala853=)

Gene: PCNT (pericentrin; plus strand). Cytogenetic location: 21q22.3.
Variant type: single nucleotide variant.
Coding change: c.2559G>T on transcript NM_006031.6 (MANE Select); coding-DNA position 2559, G replaced by T.
Protein change: p.Ala853=; no amino-acid change (alanine 853 retained).
Molecular consequence: synonymous variant.
Genome position (GRCh38, 1-based): chr21:46,363,884, G>T. VCF-style: chr21-46363884-G-T. GRCh37 (hg19) VCF-style: chr21-47783799-G-T.
Other names: c.2205G>T, p.Ala735= (NM_001315529.2).
Identifiers: ClinVar variation 2652824 (VCV002652824.24), dbSNP rs757405970, ClinGen allele CA322003679.

ClinVar aggregate classification (germline): Likely benign (1 of 4 stars; one submission).

Submission:

CeGaT Center for Human Genetics Tuebingen
Classification: Likely benign. Last evaluated: 2023-07-01. Review status: criteria provided, single submitter. Criteria: CeGaT Center For Human Genetics Tuebingen Variant Classification Criteria Version 2. Collection method: clinical testing. Allele origin: germline. Affected: yes. Observed: 1 variant allele.
Comment: PCNT: PM2:Supporting, BP4, BP7